The following is an entry in ClinVar:

ClinVar aggregate classification (germline): Uncertain significance. Review status: criteria provided, multiple submitters, no conflicts (2 of 4 stars). 2 submissions from 2 submitters: Uncertain significance (2). Last evaluated 2024-11-05.

Conditions:
Inborn genetic diseases. Identifiers: MedGen C0950123, MeSH D030342.

Allele frequency attached by ClinVar (database versions not stated): TOPMed 0.00001; ExAC 0.00002; gnomAD exomes 0.00002; 1000 Genomes Project 30x 0.00016.

Submissions (2):

Labcorp Genetics (formerly Invitae), Labcorp
Classification: Uncertain significance. Last evaluated: 2024-11-05. Review status: criteria provided, single submitter. Criteria: Invitae Variant Classification Sherloc (09022015). Collection method: clinical testing. Allele origin: germline.
Comment: This sequence change replaces alanine, which is neutral and non-polar, with threonine, which is neutral and polar, at codon 71 of the DIP2C protein (p.Ala71Thr). This variant is present in population databases (rs773251676, gnomAD 0.003%). This variant has not been reported in the literature in individuals affected with DIP2C-related conditions. ClinVar contains an entry for this variant (Variation ID: 1398966). An algorithm developed to predict the effect of missense changes on protein structure and function (PolyPhen-2) suggests that this variant is likely to be disruptive. In summary, the available evidence is currently insufficient to determine the role of this variant in disease. Therefore, it has been classified as a Variant of Uncertain Significance.

Ambry Genetics
Classification: Uncertain significance for Inborn genetic diseases. Last evaluated: 2023-09-25. Review status: criteria provided, single submitter. Criteria: Ambry Variant Classification Scheme 2023. Collection method: clinical testing. Allele origin: germline.

NM_014974.3(DIP2C):c.211G>A (p.Ala71Thr)

Gene: DIP2C (DIP2 acetate--CoA ligase C (putative); minus strand). Cytogenetic location: 10p15.3.
Variant type: single nucleotide variant.
Coding change: c.211G>A on transcript NM_014974.3 (MANE Select); coding-DNA position 211, G replaced by A.
Protein change: p.Ala71Thr; replaces alanine 71 with threonine.
Molecular consequence: missense variant.
Genome position (GRCh38, 1-based): chr10:472,496, C>T on the plus strand (G>A on the coding strand, the complement: DIP2C is on the minus strand). VCF-style: chr10-472496-C-T. GRCh37 (hg19) VCF-style: chr10-518436-C-T.
Other names: c.211G>A (NM_014974.2); short protein forms A71T.
Identifiers: ClinVar variation 1398966 (VCV001398966.7), dbSNP rs773251676, ClinGen allele CA5381427.